The following is an entry in ClinVar:

ClinVar aggregate classification (germline): Benign. Review status: criteria provided, multiple submitters, no conflicts (2 of 4 stars). 4 submissions from 4 submitters: Benign (3). 1 of the submissions does not count toward it. Last evaluated 2026-08-01.

Conditions:
NLRP2-related disorder. Also called: NLRP2-related condition.

Allele frequency attached by ClinVar (database versions not stated): 1000 Genomes Project 30x 0.00453; 1000 Genomes Project 0.00459; TOPMed 0.00861; gnomAD exomes 0.00917 and 0.01274; ExAC 0.00928; gnomAD 0.01002 and 0.01018; ESP Exome Variant Server 0.01061.
gnomAD v4.1: 19,987 of 1,614,032 alleles (1.2%); highest among the groups gnomAD compares: Non-Finnish European, 1.5%; 144 homozygotes.

Submissions (4):

CeGaT Center for Human Genetics Tuebingen
Classification: Benign. Last evaluated: 2026-08-01. Review status: criteria provided, single submitter. Criteria: CeGaT Center For Human Genetics Tuebingen Variant Classification Criteria Version 2. Collection method: clinical testing. Allele origin: germline. Affected: yes. Observed: 12 variant alleles.
Comment: NLRP2: BP4, BS1, BS2

Labcorp Genetics (formerly Invitae), Labcorp
Classification: Benign. Last evaluated: 2019-12-31. Review status: criteria provided, single submitter. Criteria: Invitae Variant Classification Sherloc (09022015). Collection method: clinical testing. Allele origin: germline.

Breakthrough Genomics
Classification: Benign. Review status: criteria provided, single submitter. Criteria: ACMG Guidelines, 2015. Collection method: not provided. Allele origin: germline. Inheritance: Unknown mechanism. Affected: yes.

PreventionGenetics, part of Exact Sciences
Classification: Benign for NLRP2-related condition. Last evaluated: 2019-03-18. Review status: no assertion criteria provided. Collection method: clinical testing. Allele origin: germline. Not counted in ClinVar's aggregate classification.
Comment: This variant is classified as benign based on ACMG/AMP sequence variant interpretation guidelines (Richards et al. 2015 PMID: 25741868, with internal and published modifications).

NM_017852.5(NLRP2):c.2401G>A (p.Ala801Thr)

Gene: NLRP2 (NLR family pyrin domain containing 2; plus strand). Cytogenetic location: 19q13.42.
Variant type: single nucleotide variant.
Coding change: c.2401G>A on transcript NM_017852.5 (MANE Select); coding-DNA position 2401, G replaced by A.
Protein change: p.Ala801Thr; replaces alanine 801 with threonine.
Molecular consequence: missense variant. On other transcripts: non-coding transcript variant (1).
Genome position (GRCh38, 1-based): chr19:54,990,056, G>A. VCF-style: chr19-54990056-G-A. GRCh37 (hg19) VCF-style: chr19-55501424-G-A.
Other names: c.2401G>A (NM_001174081.2); c.2401G>A, p.Ala801Thr (NM_001174081.3); c.2335G>A, p.Ala779Thr (NM_001174082.3); c.2332G>A, p.Ala778Thr (NM_001174083.2); c.2392G>A, p.Ala798Thr (NM_001348003.2); short protein forms A778T, A798T, A779T, A801T.
Identifiers: ClinVar variation 773607 (VCV000773607.35), dbSNP rs117066658, ClinGen allele CA310111716.
Genomic context (GRCh38, chr19:54,990,056, plus strand): 5'-ATGACGTGGTCCTATTTCTCCCACAGGTTGGTGTCTTGTTCCGCTACCACTCAGCAGTGG[G>A]CTGATCTCTCCTTGGCCCTTGAAGTCAACCAGTCCCTGACGTGCGTAAACCTCTCCGACA-3'
Protein context (NP_060322.1, residues 791-811): VSCSATTQQW[Ala801Thr]DLSLALEVNQ